The following is an entry in ClinVar:

NM_003640.5(ELP1):c.1294C>T (p.His432Tyr)

Gene: ELP1 (elongator acetyltransferase complex subunit 1; minus strand). Cytogenetic location: 9q31.3.
Variant type: single nucleotide variant.
Coding change: c.1294C>T on transcript NM_003640.5 (MANE Select); coding-DNA position 1294, C replaced by T.
Protein change: p.His432Tyr; replaces histidine 432 with tyrosine.
Molecular consequence: missense variant.
Genome position (GRCh38, 1-based): chr9:108,911,076, G>A on the plus strand (C>T on the coding strand, the complement: ELP1 is on the minus strand). VCF-style: chr9-108911076-G-A. GRCh37 (hg19) VCF-style: chr9-111673356-G-A.
Other names: c.952C>T, p.His318Tyr (NM_001318360.2); c.247C>T, p.His83Tyr (NM_001330749.2); short protein forms H318Y, H432Y, H83Y.
Identifiers: ClinVar variation 1055094 (VCV001055094.8), dbSNP rs773228197, ClinGen allele CA5175062.

ClinVar aggregate classification (germline): Uncertain significance. Review status: criteria provided, multiple submitters, no conflicts (2 of 4 stars). 3 submissions from 3 submitters: Uncertain significance (2). 1 of the submissions does not count toward it. Last evaluated 2022-01-18.

Conditions:
Medulloblastoma (MDB). Also called: MEDULLOBLASTOMA PREDISPOSITION SYNDROME; Medulloblastoma, somatic. Identifiers: Orphanet 616, MedGen C0025149, MeSH D008527, MONDO:0007959, OMIM 155255, HP:0002885.
Familial dysautonomia. Also called: HSAN III; FD. Identifiers: Orphanet 1764, MedGen C0013364, MONDO:0009131, OMIM 223900. Disease mechanism: loss of function.

Allele frequency attached by ClinVar (database versions not stated): ExAC 0.00001; gnomAD 0.00001; gnomAD exomes 0.00001.
gnomAD v4.1: 5 of 1,613,960 alleles (0.00031%); highest among the groups gnomAD compares: Middle Eastern, 0.016%; no homozygotes.

Submissions (3):

Fulgent Genetics
Classification: Uncertain significance for Medulloblastoma; Familial dysautonomia. Last evaluated: 2022-01-18. Review status: criteria provided, single submitter. Criteria: ACMG Guidelines, 2015. Collection method: clinical testing. Allele origin: unknown.

Labcorp Genetics (formerly Invitae), Labcorp
Classification: Uncertain significance. Last evaluated: 2021-08-28. Review status: criteria provided, single submitter. Criteria: Invitae Variant Classification Sherloc (09022015). Collection method: clinical testing. Allele origin: germline.
Comment: This sequence change replaces histidine with tyrosine at codon 432 of the ELP1 protein (p.His432Tyr). The histidine residue is weakly conserved and there is a moderate physicochemical difference between histidine and tyrosine. This variant is present in population databases (rs773228197, ExAC 0.006%). This variant has not been reported in the literature in individuals affected with ELP1-related conditions. Algorithms developed to predict the effect of missense changes on protein structure and function (SIFT, PolyPhen-2, Align-GVGD) all suggest that this variant is likely to be tolerated. In summary, the available evidence is currently insufficient to determine the role of this variant in disease. Therefore, it has been classified as a Variant of Uncertain Significance.

Natera, Inc.
Classification: Uncertain significance for Familial dysautonomia. Last evaluated: 2021-10-13. Review status: no assertion criteria provided. Collection method: clinical testing. Allele origin: germline. Not counted in ClinVar's aggregate classification.